The following is an entry in ClinVar:

NM_000075.4(CDK4):c.245G>C (p.Arg82Pro)

Gene: CDK4 (cyclin dependent kinase 4; minus strand). Cytogenetic location: 12q14.1.
Variant type: single nucleotide variant.
Coding change: c.245G>C on transcript NM_000075.4 (MANE Select); coding-DNA position 245, G replaced by C.
Protein change: p.Arg82Pro; replaces arginine 82 with proline.
Molecular consequence: missense variant.
Genome position (GRCh38, 1-based): chr12:57,751,316, C>G on the plus strand (G>C on the coding strand, the complement: CDK4 is on the minus strand). VCF-style: chr12-57751316-C-G. GRCh37 (hg19) VCF-style: chr12-58145099-C-G.
Other names: short protein forms R82P.
Identifiers: ClinVar variation 939801 (VCV000939801.9), dbSNP rs3211612, ClinGen allele CA385548230.
Genomic context (GRCh38, chr12:57,751,316, plus strand): 5'-GTCCTTAGGTCCTGGTCTACATGCTCAAACACCAGGGTTACCTTGATCTCCCGGTCAGTT[C>G]GGGATGTGGCACAGACGTCCATCAGCCTGACCAGAGTAAATGCTCACTTTTCAATCCCCT-3'
Protein context (NP_000066.1, residues 72-92): VRLMDVCATS[Arg82Pro]TDREIKVTLV

ClinVar aggregate classification (germline): Uncertain significance (1 of 4 stars; one submission).

Conditions:
Familial melanoma. Also called: Hereditary melanoma; Hereditary cutaneous melanoma. Identifiers: Orphanet 618, MedGen C1512419, MONDO:0018961.

Submission:

Labcorp Genetics (formerly Invitae), Labcorp
Classification: Uncertain significance for Familial melanoma. Last evaluated: 2022-07-19. Review status: criteria provided, single submitter. Criteria: Invitae Variant Classification Sherloc (09022015). Collection method: clinical testing. Allele origin: germline.
Comment: Advanced modeling of protein sequence and biophysical properties (such as structural, functional, and spatial information, amino acid conservation, physicochemical variation, residue mobility, and thermodynamic stability) performed at Invitae indicates that this missense variant is not expected to disrupt CDK4 protein function. In summary, the available evidence is currently insufficient to determine the role of this variant in disease. Therefore, it has been classified as a Variant of Uncertain Significance. ClinVar contains an entry for this variant (Variation ID: 939801). This variant has not been reported in the literature in individuals affected with CDK4-related conditions. This variant is not present in population databases (gnomAD no frequency). This sequence change replaces arginine, which is basic and polar, with proline, which is neutral and non-polar, at codon 82 of the CDK4 protein (p.Arg82Pro).